The following is an entry in ClinVar:

ClinVar aggregate classification (germline): Likely benign. Review status: criteria provided, multiple submitters, no conflicts (2 of 4 stars). 3 submissions from 3 submitters: Likely benign (2). 1 of the submissions does not count toward it. Last evaluated 2025-10-11.

Conditions:
MTHFD1-related disorder. Also called: MTHFD1-related condition.

Allele frequency attached by ClinVar (database versions not stated): gnomAD 0.00001; ExAC 0.00002; TOPMed 0.00002; gnomAD exomes 0.00003 and 0.00004.
gnomAD v4.1: 56 of 1,614,076 alleles (0.0035%); highest among the groups gnomAD compares: Non-Finnish European, 0.0046%; no homozygotes.

Submissions (3):

Labcorp Genetics (formerly Invitae), Labcorp
Classification: Likely benign. Last evaluated: 2025-10-11. Review status: criteria provided, single submitter. Criteria: Invitae Variant Classification Sherloc (09022015). Collection method: clinical testing. Allele origin: germline.

Blueprint Genetics
Classification: Likely benign. Last evaluated: 2021-12-22. Review status: criteria provided, single submitter. Criteria: ACMG Guidelines, 2015. Collection method: clinical testing. Allele origin: germline.

PreventionGenetics, part of Exact Sciences
Classification: Likely benign for MTHFD1-related condition. Last evaluated: 2019-09-26. Review status: no assertion criteria provided. Collection method: clinical testing. Allele origin: germline. Not counted in ClinVar's aggregate classification.
Comment: This variant is classified as likely benign based on ACMG/AMP sequence variant interpretation guidelines (Richards et al. 2015 PMID: 25741868, with internal and published modifications).

NM_005956.4(MTHFD1):c.2067C>T (p.Gly689=)

Gene: MTHFD1 (methylenetetrahydrofolate dehydrogenase, cyclohydrolase and formyltetrahydrofolate synthetase 1; plus strand). Cytogenetic location: 14q23.3.
Variant type: single nucleotide variant.
Coding change: c.2067C>T on transcript NM_005956.4 (MANE Select); coding-DNA position 2067, C replaced by T.
Protein change: p.Gly689=; no amino-acid change (glycine 689 retained).
Molecular consequence: synonymous variant.
Genome position (GRCh38, 1-based): chr14:64,442,333, C>T. VCF-style: chr14-64442333-C-T. GRCh37 (hg19) VCF-style: chr14-64909051-C-T.
Other names: c.2067C>T, p.Gly689= (NM_001364837.1); c.2067C>T (NM_005956.3).
Identifiers: ClinVar variation 1534277 (VCV001534277.11), dbSNP rs771168798, ClinGen allele CA7226475.
Genomic context (GRCh38, chr14:64,442,333, plus strand): 5'-AGGATTTGGAGCAGACATTGGAATGGAAAAGTTTTTTAACATCAAATGCCGGTATTCCGG[C>T]CTCTGCCCCCACGTGGTGGTGCTTGTTGCCACTGTCAGGGCTCTCAAGATGCACGGGGGC-3'
Protein context (NP_005947.3, residues 679-699): KFFNIKCRYS[Gly689=]LCPHVVVLVA